The following is an entry in ClinVar:

ClinVar aggregate classification (germline): Pathogenic (1 of 4 stars; one submission).

gnomAD v4.1: 3 of 1,528,722 alleles (0.0002%); highest among the groups gnomAD compares: Non-Finnish European, 0.00026%; no homozygotes.

Submission:

Labcorp Genetics (formerly Invitae), Labcorp
Classification: Pathogenic. Last evaluated: 2025-01-15. Review status: criteria provided, single submitter. Criteria: Invitae Variant Classification Sherloc (09022015). Collection method: clinical testing. Allele origin: germline.
Comment: This sequence change affects an acceptor splice site in intron 4 of the DNAAF4 gene. It is expected to disrupt RNA splicing. Variants that disrupt the donor or acceptor splice site typically lead to a loss of protein function (PMID: 16199547), and loss-of-function variants in DNAAF4 are known to be pathogenic (PMID: 23872636). This variant is not present in population databases (gnomAD no frequency). Disruption of this splice site has been observed in individual(s) with DNAAF4-related conditions (internal data). In at least one individual the data is consistent with being in trans (on the opposite chromosome) from a pathogenic variant. ClinVar contains an entry for this variant (Variation ID: 2106741). Algorithms developed to predict the effect of sequence changes on RNA splicing suggest that this variant may disrupt the consensus splice site. For these reasons, this variant has been classified as Pathogenic.

Literature cited by the submitters: PubMed 16199547; PubMed 23872636.

NM_130810.4(DNAAF4):c.406-1G>C

Genes: DNAAF4 (dynein axonemal assembly factor 4; minus strand), DNAAF4-CCPG1 (DNAAF4-CCPG1 readthrough (NMD candidate); minus strand). Cytogenetic location: 15q21.3.
Variant type: single nucleotide variant.
Coding change: c.406-1G>C on transcript NM_130810.4 (MANE Select); the canonical splice acceptor site of the intron before coding-DNA position 406, G replaced by C.
Molecular consequence: splice acceptor variant.
Genome position (GRCh38, 1-based): chr15:55,467,162, C>G on the plus strand (G>C on the coding strand, the complement: DNAAF4 is on the minus strand). VCF-style: chr15-55467162-C-G. GRCh37 (hg19) VCF-style: chr15-55759360-C-G.
Other names: c.406-1G>C (NM_001033560.2, NM_001033559.3).
Identifiers: ClinVar variation 2106741 (VCV002106741.4), dbSNP rs1322566644, ClinGen allele CA392554125.
Genomic context (GRCh38, chr15:55,467,162, plus strand): 5'-GGCTTTTATCCGTTCATTTTCTTTCATATCTTCTATTTTTTTCCTCTCTTCTTCTTCAAT[C>G]TATAACAATTGCAATTACCAAATTCTTTAAAATACATAAAAGCAACATTTATTTAAATGA-3'